The following is an entry in ClinVar:

NM_000094.4(COL7A1):c.2574TGT[1] (p.Val860del)

Gene: COL7A1 (collagen type VII alpha 1 chain; minus strand). Cytogenetic location: 3p21.31.
Variant type: Microsatellite.
Coding change: c.2574TGT[1] on transcript NM_000094.4 (MANE Select); one copy of the 3-base unit TGT starting at c.2574; the reference has two copies in a row; one copy, 3 bases deleted.
Protein change: p.Val860del; deletes valine 860.
Molecular consequence: inframe deletion. On other transcripts: inframe indel (1).
Genome position (GRCh38, 1-based): chr3:48,588,650-48,588,652, ACA deleted on the plus strand (TGT on the coding strand, the reverse complement: COL7A1 is on the minus strand); deleting any 3 consecutive bases within chr3:48,588,650-48,588,656 gives the same sequence; the position shown is the placement nearest the transcript's 3' end. VCF-style (leftmost placement, unchanged base first): chr3-48588649-GACA-G. GRCh37 (hg19) VCF-style: chr3-48626082-GACA-G.
Other names: c.2577_2579delTGT (NM_000094.3); c.2573_2575TTG[1], p.Val860del (NM_000094.3); short protein forms V860del.
Identifiers: ClinVar variation 2163670 (VCV002163670.3), dbSNP rs777669254, ClinGen allele CA2380845.

ClinVar aggregate classification (germline): Uncertain significance. Review status: criteria provided, single submitter (1 of 4 stars). 2 submissions from 2 submitters: Uncertain significance (1). 1 of the submissions does not count toward it. Last evaluated 2022-10-19.

Conditions:
COL7A1-related disorder. Also called: COL7A1-related condition; COL7A1- related disorders.

Submissions (2):

Labcorp Genetics (formerly Invitae), Labcorp
Classification: Uncertain significance. Last evaluated: 2022-10-19. Review status: criteria provided, single submitter. Criteria: Invitae Variant Classification Sherloc (09022015). Collection method: clinical testing. Allele origin: germline.
Comment: This variant, c.2577_2579del, results in the deletion of 1 amino acid(s) of the COL7A1 protein (p.Val860del), but otherwise preserves the integrity of the reading frame. This variant is present in population databases (rs777669254, gnomAD 0.003%). This variant has not been reported in the literature in individuals affected with COL7A1-related conditions. Experimental studies and prediction algorithms are not available or were not evaluated, and the functional significance of this variant is currently unknown. In summary, the available evidence is currently insufficient to determine the role of this variant in disease. Therefore, it has been classified as a Variant of Uncertain Significance.

PreventionGenetics, part of Exact Sciences
Classification: Uncertain significance for COL7A1-related condition. Last evaluated: 2023-12-19. Review status: no assertion criteria provided. Collection method: clinical testing. Allele origin: germline. Not counted in ClinVar's aggregate classification.
Comment: The COL7A1 c.2577_2579delTGT variant is predicted to result in an in-frame deletion (p.Val860del). To our knowledge, this variant has not been reported in the literature. This variant is reported in 0.0031% of alleles in individuals of European (Non-Finnish) descent in gnomAD. At this time, the clinical significance of this variant is uncertain due to the absence of conclusive functional and genetic evidence.